The following is an entry in ClinVar:

NM_004329.3(BMPR1A):c.1559_1560insTT (p.Leu521fs)

Gene: BMPR1A (bone morphogenetic protein receptor type 1A; plus strand). Cytogenetic location: 10q23.2.
Variant type: Insertion.
Coding change: c.1559_1560insTT on transcript NM_004329.3 (MANE Select); coding-DNA positions 1559 to 1560, TT inserted.
Protein change: p.Leu521fs; shifts the reading frame from leucine 521.
Molecular consequence: frameshift variant.
Genome position: GRCh38 VCF-style: chr10-86923679-C-CTT. GRCh37 (hg19) VCF-style: chr10-88683436-C-CTT.
Other names: short protein forms L521fs.
Identifiers: ClinVar variation 486810 (VCV000486810.13), dbSNP rs1554891669, ClinGen allele CA658657997.

ClinVar aggregate classification (germline): Uncertain significance. Review status: criteria provided, multiple submitters, no conflicts (2 of 4 stars). 2 submissions from 2 submitters: Uncertain significance (2). Last evaluated 2024-04-10.

Conditions:
Juvenile polyposis syndrome (JPS). Identifiers: Orphanet 2929, MedGen C0345893, MONDO:0017380, OMIM 174900.
Hereditary cancer-predisposing syndrome. Also called: Tumor predisposition; Neoplastic Syndromes, Hereditary; Hereditary Cancer Syndrome; Hereditary neoplastic syndrome. Identifiers: Orphanet 140162, MedGen C0027672, MeSH D009386, MONDO:0015356.

Submissions (2):

Ambry Genetics
Classification: Uncertain significance for Hereditary cancer-predisposing syndrome. Last evaluated: 2024-04-10. Review status: criteria provided, single submitter. Criteria: Ambry Variant Classification Scheme 2023. Collection method: clinical testing. Allele origin: germline.
Comment: The c.1559_1560insTT variant (also known as p.L521CFS*11), located in coding exon 11 of the BMPR1A gene, results from an insertion of two nucleotides at position 1559, causing a translational frameshift with a predicted alternate stop codon. This alteration occurs in the last coding exon of the BMPR1A gene, so while it is truncating, the mRNA may escape nonsense mediated decay (NMD). Premature termination codons located either in the last exon or within 50-55 nucleotides upstream of the 3'-most exon-exon junction usually fail to elicit NMD (Maquat LE et al. Nat. Rev. Mol. Cell Biol. 2004 Feb; 5(2):89-99). Frameshifts are typically deleterious in nature, however, this frameshift occurs at the 3' terminus of BMPR1A, is not expected to trigger nonsense mediated decay (NMD), and impacts only the last 12 amino acids of the protein (Maquat LE et al. Nat. Rev. Mol. Cell Biol. 2004 Feb; 5(2):89-99). The exact functional effect of this alteration is unknown. This variant was reportedly detected in a cohort of probands with juvenile polyposis syndrome (MacFarland SP et al. Cancer Prev Res (Phila), 2021 Feb;14:215-222). Based on the available evidence, the clinical significance of this variant remains unclear.

Labcorp Genetics (formerly Invitae), Labcorp
Classification: Uncertain significance for Juvenile polyposis syndrome. Last evaluated: 2020-04-19. Review status: criteria provided, single submitter. Criteria: Invitae Variant Classification Sherloc (09022015). Collection method: clinical testing. Allele origin: germline.
Comment: Experimental studies and prediction algorithms are not available or were not evaluated, and the functional significance of this variant is currently unknown. In summary, the available evidence is currently insufficient to determine the role of this variant in disease. Therefore, it has been classified as a Variant of Uncertain Significance. This variant has not been reported in the literature in individuals with BMPR1A-related conditions. ClinVar contains an entry for this variant (Variation ID: 486810). This variant is not present in population databases (ExAC no frequency). This sequence change results in a premature translational stop signal in the BMPR1A gene (p.Leu521Cysfs*11). While this is not anticipated to result in nonsense mediated decay, it is expected to disrupt the last 12 amino acids of the BMPR1A protein.

Literature cited by the submitters: PubMed 33097490 (cited by Ambry Genetics).